The following is an entry in ClinVar:

NM_178140.4(PDZD2):c.2694G>A (p.Ser898=)

Gene: PDZD2 (PDZ domain containing 2; plus strand). Cytogenetic location: 5p13.3.
Variant type: single nucleotide variant.
Coding change: c.2694G>A on transcript NM_178140.4 (MANE Select); coding-DNA position 2694, G replaced by A.
Protein change: p.Ser898=; no amino-acid change (serine 898 retained).
Molecular consequence: synonymous variant.
Genome position (GRCh38, 1-based): chr5:32,072,286, G>A. VCF-style: chr5-32072286-G-A. GRCh37 (hg19) VCF-style: chr5-32072392-G-A.
Identifiers: ClinVar variation 3039429 (VCV003039429.2), dbSNP rs112339948, ClinGen allele CA3219288.

ClinVar aggregate classification (germline): Likely benign (0 of 4 stars; one submission).

Conditions:
PDZD2-related disorder. Also called: PDZD2-related condition.

Allele frequency attached by ClinVar (database versions not stated): gnomAD exomes 0.00020; ExAC 0.00054; ESP Exome Variant Server 0.00138; 1000 Genomes Project 0.00140; 1000 Genomes Project 30x 0.00156; gnomAD 0.00161; TOPMed 0.00177.
gnomAD v4.1: 561 of 1,613,868 alleles (0.035%); highest among the groups gnomAD compares: African/African-American, 0.56%; no homozygotes.

Submission:

PreventionGenetics, part of Exact Sciences
Classification: Likely benign for PDZD2-related condition. Last evaluated: 2019-05-23. Review status: no assertion criteria provided. Collection method: clinical testing. Allele origin: germline.
Comment: This variant is classified as likely benign based on ACMG/AMP sequence variant interpretation guidelines (Richards et al. 2015 PMID: 25741868, with internal and published modifications).